The following is an entry in ClinVar:

ClinVar aggregate classification (germline): Conflicting classifications of pathogenicity. Review status: criteria provided, conflicting classifications (1 of 4 stars). 8 submissions from 8 submitters: Uncertain significance (4); Benign (2); Likely benign (1). 1 of the submissions does not count toward it. Last evaluated 2026-01-18.

Conditions:
Adams-Oliver syndrome 5 (AOS5). Identifiers: Orphanet 974, MedGen C4014970, MONDO:0014459, OMIM 616028.
Familial thoracic aortic aneurysm and aortic dissection (TAAD). Also called: Thoracic aortic aneurysms and dissections. Identifiers: Orphanet 91387, MedGen C4707243, MONDO:0019625.

Allele frequency attached by ClinVar (database versions not stated): ESP Exome Variant Server 0.00008; 1000 Genomes Project 30x 0.00031; gnomAD 0.00033 and 0.00035; 1000 Genomes Project 0.00040; TOPMed 0.00041.
gnomAD v4.1: 373 of 1,593,012 alleles (0.023%); highest among the groups gnomAD compares: African/African-American, 0.11%; no homozygotes.

Submissions (10):

Labcorp Genetics (formerly Invitae), Labcorp
Classification: Likely benign for Adams-Oliver syndrome 5. Last evaluated: 2026-01-18. Review status: criteria provided, single submitter. Criteria: Invitae Variant Classification Sherloc (09022015). Collection method: clinical testing. Allele origin: germline.

GeneDx
Classification: Uncertain significance. Last evaluated: 2025-06-24. Review status: criteria provided, single submitter. Criteria: GeneDx Variant Classification Process June 2021. Collection method: clinical testing. Allele origin: germline. Affected: yes.
Comment: Has not been previously published as pathogenic or benign to our knowledge; In silico analysis suggests this variant may impact gene splicing. In the absence of RNA/functional studies, the actual effect of this sequence change is unknown.; This variant is associated with the following publications: (PMID: 24728327)

ARUP Laboratories, Molecular Genetics and Genomics, ARUP Laboratories
Classification: Uncertain significance. Last evaluated: 2025-03-21. Review status: criteria provided, single submitter. Criteria: ARUP Molecular Germline Variant Investigation Process 2024. Collection method: clinical testing. Allele origin: germline.
Comment: The NOTCH1 c.4014G>A; p.Ala1338Ala variant (rs377217445), to our knowledge, is not reported in the medical literature but is reported in ClinVar (Variation ID: 134931). This variant is found in the African/African-American population with an allele frequency of 0.13% (27/20,962 alleles) in the Genome Aggregation Database, which is higher than expected for a pathogenic variant in this gene. However, computational analyses (Alamut Visual Plus v.1.5.1) predict that this variant may impact splicing by weakening the nearby canonical donor splice site. Due to conflicting information, the clinical significance of this variant is uncertain at this time.

Women's Health and Genetics/Laboratory Corporation of America, LabCorp
Classification: Benign. Last evaluated: 2023-07-21. Review status: criteria provided, single submitter. Criteria: LabCorp Variant Classification Summary - May 2015. Collection method: clinical testing. Allele origin: germline.

CHEO Genetics Diagnostic Laboratory, Children's Hospital of Eastern Ontario
Classification: Benign for Familial thoracic aortic aneurysm and aortic dissection. Last evaluated: 2021-06-16. Review status: criteria provided, single submitter. Criteria: ACMG Guidelines, 2015. Collection method: clinical testing. Allele origin: germline.

Ambry Genetics
Classification: Uncertain significance for Familial thoracic aortic aneurysm and aortic dissection. Last evaluated: 2020-11-20. Review status: criteria provided, single submitter. Criteria: Ambry Variant Classification Scheme 2023. Collection method: clinical testing. Allele origin: germline.
Comment: The c.4014G>A (p.A1338A) alteration is located in exon 24 (coding exon 24) of the NOTCH1 gene. This alteration consists of a G to A substitution at nucleotide position 4014. This nucleotide substitution does not change the amino acid at codon 1338. However, this change occurs in the last nucleotide of Exon 24 (c.3902_4014) which makes it likely to have some effect on normal mRNA splicing. Based on insufficient or conflicting evidence, the clinical significance of this alteration remains unclear.

Eurofins Ntd Llc (ga)
Classification: Uncertain significance. Last evaluated: 2017-04-18. Review status: criteria provided, single submitter. Criteria: EGL Classification Definitions 2015. Collection method: clinical testing. Allele origin: germline. Observed: 1 variant allele, 1 heterozygote.

ITMI
No classification provided. Condition: AllHighlyPenetrant. Last evaluated: 2013-09-19. Review status: no classification provided. Collection method: reference population. Allele origin: germline. Not counted in ClinVar's aggregate classification.
Comment: Please see associated publication for description of ethnicities

Dr. Peter K. Rogan Lab, Western University
No classification provided (evidence only). Condition: Familial cancer of breast. Review status: no classification provided. Collection method: in vitro. Allele origin: not applicable. Functional consequence: retained intron. Not counted in ClinVar's aggregate classification.

Dr. Peter K. Rogan Lab, Western University
No classification provided (evidence only). Condition: Ovarian cancer. Review status: no classification provided. Collection method: in vitro. Allele origin: not applicable. Functional consequence: retained intron. Not counted in ClinVar's aggregate classification.

Literature cited by the submitters: PubMed 24943832 (cited by Women's Health and Genetics/Laboratory Corporation of America, LabCorp); PubMed 16614245 (cited by Women's Health and Genetics/Laboratory Corporation of America, LabCorp); PubMed 21670202 (cited by Women's Health and Genetics/Laboratory Corporation of America, LabCorp); PubMed 22210878 (cited by Women's Health and Genetics/Laboratory Corporation of America, LabCorp); PubMed 19635999 (cited by Women's Health and Genetics/Laboratory Corporation of America, LabCorp); PubMed 26837699 (cited by Women's Health and Genetics/Laboratory Corporation of America, LabCorp); PubMed 23086750 (cited by Women's Health and Genetics/Laboratory Corporation of America, LabCorp); PubMed 19245433 (cited by Women's Health and Genetics/Laboratory Corporation of America, LabCorp); PubMed 22077063 (cited by Women's Health and Genetics/Laboratory Corporation of America, LabCorp); PubMed 15472075 (cited by Women's Health and Genetics/Laboratory Corporation of America, LabCorp); PubMed 23734977 (cited by Women's Health and Genetics/Laboratory Corporation of America, LabCorp); PubMed 22858860 (cited by Women's Health and Genetics/Laboratory Corporation of America, LabCorp); PubMed 24728327 (cited by ITMI).

NM_017617.5(NOTCH1):c.4014G>A (p.Ala1338=)

Gene: NOTCH1 (notch receptor 1; minus strand). Cytogenetic location: 9q34.3.
Variant type: single nucleotide variant.
Coding change: c.4014G>A on transcript NM_017617.5 (MANE Select); coding-DNA position 4014, G replaced by A.
Protein change: p.Ala1338=; no amino-acid change (alanine 1338 retained).
Molecular consequence: synonymous variant.
Genome position (GRCh38, 1-based): chr9:136,506,527, C>T on the plus strand (G>A on the coding strand, the complement: NOTCH1 is on the minus strand). VCF-style: chr9-136506527-C-T. GRCh37 (hg19) VCF-style: chr9-139400979-C-T.
Other names: c.4014G>A, p.Ala1338= (LRG_1122t1); c.4014G>A (NM_017617.4).
Identifiers: ClinVar variation 134931 (VCV000134931.62), dbSNP rs377217445, ClinGen allele CA161189.